The following is an entry in ClinVar:

ClinVar aggregate classification (germline): Uncertain significance. Review status: criteria provided, multiple submitters, no conflicts (2 of 4 stars). 2 submissions from 2 submitters: Uncertain significance (2). Last evaluated 2024-11-21.

Conditions:
ABCG8-related disorder. Also called: ABCG8-related condition.

Allele frequency attached by ClinVar (database versions not stated): ExAC 0.00001; gnomAD exomes 0.00001; TOPMed 0.00003; gnomAD 0.00004.
gnomAD v4.1: 10 of 1,613,990 alleles (0.00062%); highest among the groups gnomAD compares: African/African-American, 0.0067%; no homozygotes.

Submissions (2):

PreventionGenetics, part of Exact Sciences
Classification: Uncertain significance for ABCG8-related condition. Last evaluated: 2024-11-21. Review status: criteria provided, single submitter. Criteria: ACMG Guidelines, 2015. Collection method: clinical testing. Allele origin: germline.
Comment: The ABCG8 c.749A>G variant is predicted to result in the amino acid substitution p.Asn250Ser. To our knowledge, this variant has not been reported in the literature. This variant is reported in 0.0058% of alleles in individuals of Latino descent in gnomAD. At this time, the clinical significance of this variant is uncertain due to the absence of conclusive functional and genetic evidence.

Labcorp Genetics (formerly Invitae), Labcorp
Classification: Uncertain significance. Last evaluated: 2021-08-28. Review status: criteria provided, single submitter. Criteria: Invitae Variant Classification Sherloc (09022015). Collection method: clinical testing. Allele origin: germline.
Comment: This sequence change replaces asparagine with serine at codon 250 of the ABCG8 protein (p.Asn250Ser). The asparagine residue is highly conserved and there is a small physicochemical difference between asparagine and serine. This variant is present in population databases (no rsID available, ExAC 0.009%). This variant has not been reported in the literature in individuals affected with ABCG8-related conditions. Algorithms developed to predict the effect of missense changes on protein structure and function are either unavailable or do not agree on the potential impact of this missense change (SIFT: "Tolerated"; PolyPhen-2: "Possibly Damaging"; Align-GVGD: "Class C0"). In summary, the available evidence is currently insufficient to determine the role of this variant in disease. Therefore, it has been classified as a Variant of Uncertain Significance.

NM_022437.3(ABCG8):c.749A>G (p.Asn250Ser)

Gene: ABCG8 (ATP binding cassette subfamily G member 8; plus strand). Cytogenetic location: 2p21.
Variant type: single nucleotide variant.
Coding change: c.749A>G on transcript NM_022437.3 (MANE Select); coding-DNA position 749, A replaced by G.
Protein change: p.Asn250Ser; replaces asparagine 250 with serine.
Molecular consequence: missense variant.
Genome position (GRCh38, 1-based): chr2:43,852,653, A>G. VCF-style: chr2-43852653-A-G. GRCh37 (hg19) VCF-style: chr2-44079792-A-G.
Other names: c.749A>G (NM_022437.2); c.749A>G, p.Asn250Ser (NM_001357321.2); short protein forms N250S.
Identifiers: ClinVar variation 1011797 (VCV001011797.7), dbSNP rs1444249475, ClinGen allele CA1637164.